The following is an entry in ClinVar:

NM_001267550.2(TTN):c.45704G>A (p.Gly15235Asp)

Gene: TTN (titin; minus strand). Cytogenetic location: 2q31.2.
Variant type: single nucleotide variant.
Coding change: c.45704G>A on transcript NM_001267550.2 (MANE Select); coding-DNA position 45704, G replaced by A.
Protein change: p.Gly15235Asp; replaces glycine 15235 with aspartic acid.
Molecular consequence: missense variant.
Genome position (GRCh38, 1-based): chr2:178,620,906, C>T on the plus strand (G>A on the coding strand, the complement: TTN is on the minus strand). VCF-style: chr2-178620906-C-T. GRCh37 (hg19) VCF-style: chr2-179485633-C-T.
Other names: p.Gly13594Asp; c.40781G>A, p.Gly13594Asp (NM_001256850.1); c.18509G>A, p.Gly6170Asp (NM_003319.4); c.38000G>A, p.Gly12667Asp (NM_133378.4); c.18884G>A, p.Gly6295Asp (NM_133432.3); c.19085G>A, p.Gly6362Asp (NM_133437.4); short protein forms G12667D, G13594D, G15235D, G6170D, G6295D, G6362D.
Identifiers: ClinVar variation 2438065 (VCV002438065.4), dbSNP rs376949328, ClinGen allele CA1995381.

ClinVar aggregate classification (germline): Uncertain significance. Review status: criteria provided, multiple submitters, no conflicts (2 of 4 stars). 2 submissions from 2 submitters: Uncertain significance (2). Last evaluated 2025-09-11.

Allele frequency attached by ClinVar (database versions not stated): ExAC 0.00002; TOPMed 0.00004; ESP Exome Variant Server 0.00008; gnomAD exomes below 0.00001.
gnomAD v4.1: 3 of 1,612,458 alleles (0.00019%); highest among the groups gnomAD compares: African/African-American, 0.0013%; no homozygotes.

Submissions (2):

Mayo Clinic Laboratories, Mayo Clinic
Classification: Uncertain significance. Last evaluated: 2025-09-11. Review status: criteria provided, single submitter. Criteria: ACMG Guidelines, 2015. Collection method: clinical testing. Allele origin: germline. Observed: 1 variant allele.
Comment: PM2_supporting

Revvity Omics, Revvity
Classification: Uncertain significance. Last evaluated: 2019-08-27. Review status: criteria provided, single submitter. Criteria: ACMG Guidelines, 2015. Collection method: clinical testing. Allele origin: germline.